The following is an entry in ClinVar:

NM_001276270.2(MBD4):c.955T>C (p.Ser319Pro)

Gene: MBD4 (methyl-CpG binding domain 4, DNA glycosylase; minus strand). Cytogenetic location: 3q21.3.
Variant type: single nucleotide variant.
Coding change: c.955T>C on transcript NM_001276270.2 (MANE Select); coding-DNA position 955, T replaced by C.
Protein change: p.Ser319Pro; replaces serine 319 with proline.
Molecular consequence: missense variant. On other transcripts: intron variant (1).
Genome position (GRCh38, 1-based): chr3:129,436,689, A>G on the plus strand (T>C on the coding strand, the complement: MBD4 is on the minus strand). VCF-style: chr3-129436689-A-G. GRCh37 (hg19) VCF-style: chr3-129155532-A-G.
Other names: c.955T>C, p.Ser319Pro (NM_001276271.2, NM_001276272.2, NM_003925.3); c.247+1119T>C (NM_001276273.2); short protein forms S319P.
Identifiers: ClinVar variation 3659875 (VCV003659875.2).

ClinVar aggregate classification (germline): Uncertain significance (1 of 4 stars; one submission).

Submission:

Labcorp Genetics (formerly Invitae), Labcorp
Classification: Uncertain significance. Last evaluated: 2025-03-18. Review status: criteria provided, single submitter. Criteria: Invitae Variant Classification Sherloc (09022015). Collection method: clinical testing. Allele origin: germline.
Comment: This sequence change replaces serine, which is neutral and polar, with proline, which is neutral and non-polar, at codon 319 of the MBD4 protein (p.Ser319Pro). This variant is not present in population databases (gnomAD no frequency). This variant has not been reported in the literature in individuals affected with MBD4-related conditions. An algorithm developed to predict the effect of missense changes on protein structure and function outputs the following: PolyPhen-2: "Benign". The proline amino acid residue is found in multiple mammalian species, which suggests that this missense change does not adversely affect protein function. In summary, the available evidence is currently insufficient to determine the role of this variant in disease. Therefore, it has been classified as a Variant of Uncertain Significance.